The following is an entry in ClinVar:

ClinVar aggregate classification (germline): Pathogenic (1 of 4 stars; one submission).

Allele frequency attached by ClinVar (database versions not stated): gnomAD exomes below 0.00001.
gnomAD v4.1: 1 of 1,612,568 alleles (0.000062%); no homozygotes.

Submission:

Labcorp Genetics (formerly Invitae), Labcorp
Classification: Pathogenic. Last evaluated: 2023-05-05. Review status: criteria provided, single submitter. Criteria: Invitae Variant Classification Sherloc (09022015). Collection method: clinical testing. Allele origin: germline.
Comment: This sequence change creates a premature translational stop signal (p.Ser157*) in the CNGB3 gene. It is expected to result in an absent or disrupted protein product. Loss-of-function variants in CNGB3 are known to be pathogenic (PMID: 28795510). This variant is not present in population databases (gnomAD no frequency). For these reasons, this variant has been classified as Pathogenic. ClinVar contains an entry for this variant (Variation ID: 1407800). This variant has not been reported in the literature in individuals affected with CNGB3-related conditions.

Literature cited by the submitters: PubMed 28795510.

NM_019098.5(CNGB3):c.470C>A (p.Ser157Ter)

Gene: CNGB3 (cyclic nucleotide gated channel subunit beta 3; minus strand). Cytogenetic location: 8q21.3.
Variant type: single nucleotide variant.
Coding change: c.470C>A on transcript NM_019098.5 (MANE Select); coding-DNA position 470, C replaced by A.
Protein change: p.Ser157Ter; replaces serine 157 with a stop codon.
Molecular consequence: nonsense.
Genome position (GRCh38, 1-based): chr8:86,670,967, G>T on the plus strand (C>A on the coding strand, the complement: CNGB3 is on the minus strand). VCF-style: chr8-86670967-G-T. GRCh37 (hg19) VCF-style: chr8-87683195-G-T.
Other names: short protein forms S157*.
Identifiers: ClinVar variation 1407800 (VCV001407800.6), dbSNP rs2131618872, ClinGen allele CA371450073.